The following is an entry in ClinVar:

NM_198491.3(CIBAR2):c.163G>A (p.Asp55Asn)

Gene: CIBAR2 (CBY1 interacting BAR domain containing 2; minus strand). Cytogenetic location: 16q24.1.
Variant type: single nucleotide variant.
Coding change: c.163G>A on transcript NM_198491.3 (MANE Select); coding-DNA position 163, G replaced by A.
Protein change: p.Asp55Asn; replaces aspartic acid 55 with asparagine.
Molecular consequence: missense variant.
Genome position (GRCh38, 1-based): chr16:85,110,318, C>T on the plus strand (G>A on the coding strand, the complement: CIBAR2 is on the minus strand). VCF-style: chr16-85110318-C-T. GRCh37 (hg19) VCF-style: chr16-85143924-C-T.
Other names: c.163G>A, p.Asp55Asn (NM_001366920.1); short protein forms D55N.
Identifiers: ClinVar variation 3044750 (VCV003044750.2), dbSNP rs141444139, ClinGen allele CA8213711.

ClinVar aggregate classification (germline): Likely benign (0 of 4 stars; one submission).

Conditions:
CIBAR2-related disorder. Also called: CIBAR2-related condition.

Allele frequency attached by ClinVar (database versions not stated): 1000 Genomes Project 0.00100; 1000 Genomes Project 30x 0.00141; ExAC 0.00328; TOPMed 0.00347; gnomAD 0.00370; ESP Exome Variant Server 0.00431; gnomAD exomes 0.00521.

Submission:

PreventionGenetics, part of Exact Sciences
Classification: Likely benign for CIBAR2-related condition. Last evaluated: 2021-02-10. Review status: no assertion criteria provided. Collection method: clinical testing. Allele origin: germline.
Comment: This variant is classified as likely benign based on ACMG/AMP sequence variant interpretation guidelines (Richards et al. 2015 PMID: 25741868, with internal and published modifications).